The following is an entry in ClinVar:

NM_005236.3(ERCC4):c.1207G>C (p.Gly403Arg)

Gene: ERCC4 (ERCC excision repair 4, endonuclease catalytic subunit; plus strand). Cytogenetic location: 16p13.12.
Variant type: single nucleotide variant.
Coding change: c.1207G>C on transcript NM_005236.3 (MANE Select); coding-DNA position 1207, G replaced by C.
Protein change: p.Gly403Arg; replaces glycine 403 with arginine.
Molecular consequence: missense variant.
Genome position (GRCh38, 1-based): chr16:13,934,296, G>C. VCF-style: chr16-13934296-G-C. GRCh37 (hg19) VCF-style: chr16-14028153-G-C.
Other names: short protein forms G403R.
Identifiers: ClinVar variation 1692875 (VCV001692875.4), dbSNP rs751348446, ClinGen allele CA7910412.
Genomic context (GRCh38, chr16:13,934,296, plus strand): 5'-GCACTGACTGAAGTATTAAAAGAAATTGAGGCAGAAAATAAGGAGAGTGAAGCTCTTGGT[G>C]GTCCAGGTAGGAAAAAAGGAGATGAAAACATTTGCTTCCAAAATCTATCAAATGAGTCCT-3'
Protein context (NP_005227.1, residues 393-413): AENKESEALG[Gly403Arg]PGQVLICASD

ClinVar aggregate classification (germline): Uncertain significance. Review status: criteria provided, multiple submitters, no conflicts (2 of 4 stars). 2 submissions from 2 submitters: Uncertain significance (2). Last evaluated 2025-12-07.

Conditions:
Xeroderma pigmentosum, group F (XPF). Also called: XERODERMA PIGMENTOSUM, COMPLEMENTATION GROUP F; ERCC4-Related Xeroderma Pigmentosum; XERODERMA PIGMENTOSUM, TYPE F; Xeroderma pigmentosum, type 6; XERODERMA PIGMENTOSUM VI; XP, GROUP F. Identifiers: MedGen C0268140, MONDO:0010215, OMIM 278760.
Cockayne syndrome. Identifiers: Orphanet 191, MedGen C0009207, MONDO:0016006.
Fanconi anemia complementation group Q. Identifiers: Orphanet 84, MedGen C3808988, MONDO:0014108, OMIM 615272.
Xeroderma pigmentosum (XP). Identifiers: Orphanet 910, MedGen C0043346, MONDO:0019600.

Allele frequency attached by ClinVar (database versions not stated): ExAC 0.00001; gnomAD 0.00001; TOPMed 0.00001.
gnomAD v4.1: 6 of 1,601,198 alleles (0.00037%); highest among the groups gnomAD compares: South Asian, 0.0022%; no homozygotes.

Submissions (2):

Labcorp Genetics (formerly Invitae), Labcorp
Classification: Uncertain significance for Fanconi anemia complementation group Q; Xeroderma pigmentosum, group F; Cockayne syndrome. Last evaluated: 2025-12-07. Review status: criteria provided, single submitter. Criteria: Invitae Variant Classification Sherloc (09022015). Collection method: clinical testing. Allele origin: germline.
Comment: This sequence change replaces glycine, which is neutral and non-polar, with arginine, which is basic and polar, at codon 403 of the ERCC4 protein (p.Gly403Arg). This variant is present in population databases (rs751348446, gnomAD 0.0009%). This variant has not been reported in the literature in individuals affected with ERCC4-related conditions. ClinVar contains an entry for this variant (Variation ID: 1692875). Invitae Evidence Modeling of protein sequence and biophysical properties (such as structural, functional, and spatial information, amino acid conservation, physicochemical variation, residue mobility, and thermodynamic stability) indicates that this missense variant is not expected to disrupt ERCC4 protein function with a negative predictive value of 80%. In summary, the available evidence is currently insufficient to determine the role of this variant in disease. Therefore, it has been classified as a Variant of Uncertain Significance.

Sema4
Classification: Uncertain significance for Xeroderma pigmentosum. Last evaluated: 2022-02-15. Review status: criteria provided, single submitter. Criteria: Sema4 Curation Guidelines. Collection method: curation. Allele origin: germline.
Comment: The ERCC4 c.1207G>C (p.G403R) variant has not been reported in the literature to our knowledge. It was not observed in the large and broad cohorts of the Genome Aggregation Database. The variant has not been reported in ClinVar. Functional studies have not been performed, and in silico predictions of the variant's effect on protein function are inconclusive. The evidence is insufficient to meet ACMG/AMP criteria for classifying the variant as benign or pathogenic. Thus, the clinical significance of this variant is currently uncertain.